The following is an entry in ClinVar:

ClinVar aggregate classification (germline): Uncertain significance (1 of 4 stars; one submission).

Submission:

Centre for Mendelian Genomics, University Medical Centre Ljubljana
Classification: Uncertain significance. Last evaluated: 2018-10-19. Review status: criteria provided, single submitter. Criteria: ACMG Guidelines, 2015. Collection method: clinical testing. Allele origin: unknown. Affected: yes.
Comment: This variant was classified as: Uncertain significance. The available evidence on this variant's pathogenicity is insufficient or conflicting. The following ACMG criteria were applied in classifying this variant: PM2,BS2. This variant was detected in homozygous state.

NC_012920.1(MT-TL1):m.3290T>A

Gene: MT-TL1 (mitochondrially encoded tRNA leucine 1 (UUA/G); plus strand).
Variant type: single nucleotide variant.
Genome position: chrM-3290-T-A.
Identifiers: ClinVar variation 930602 (VCV000930602.3), dbSNP rs199474665, ClinGen allele CA913169137.